The following is an entry in ClinVar:

ClinVar aggregate classification (germline): Pathogenic (1 of 4 stars; one submission).

Submission:

Labcorp Genetics (formerly Invitae), Labcorp
Classification: Pathogenic. Last evaluated: 2022-07-03. Review status: criteria provided, single submitter. Criteria: Invitae Variant Classification Sherloc (09022015). Collection method: clinical testing. Allele origin: germline.
Comment: Disruption of this splice site has been observed in individual(s) with Kindler syndrome (PMID: 12668616). It has also been observed to segregate with disease in related individuals. For these reasons, this variant has been classified as Pathogenic. Algorithms developed to predict the effect of sequence changes on RNA splicing suggest that this variant may disrupt the consensus splice site. This variant is not present in population databases (gnomAD no frequency). This sequence change affects a donor splice site in intron 3 of the FERMT1 gene. It is expected to disrupt RNA splicing. Variants that disrupt the donor or acceptor splice site typically lead to a loss of protein function (PMID: 16199547), and loss-of-function variants in FERMT1 are known to be pathogenic (PMID: 14962093, 21936020).

Literature cited by the submitters: PubMed 12668616; PubMed 16199547; PubMed 14962093; PubMed 21936020.

NM_017671.5(FERMT1):c.385+1G>T

Gene: FERMT1 (FERM domain containing kindlin 1; minus strand). Cytogenetic location: 20p12.3.
Variant type: single nucleotide variant.
Coding change: c.385+1G>T on transcript NM_017671.5 (MANE Select); the canonical splice donor site of the intron after coding-DNA position 385, G replaced by T.
Molecular consequence: splice donor variant.
Genome position (GRCh38, 1-based): chr20:6,115,810, C>A on the plus strand (G>T on the coding strand, the complement: FERMT1 is on the minus strand). VCF-style: chr20-6115810-C-A. GRCh37 (hg19) VCF-style: chr20-6096457-C-A.
Identifiers: ClinVar variation 2009507 (VCV002009507.4), dbSNP rs2514723064, ClinGen allele CA408191881.
Genomic context (GRCh38, chr20:6,115,810, plus strand): 5'-AATTTTCCTGTCTAGCTTTGCAAGAGTCTACAGGGCACAGGGGCCTTTCCTGGGTACTTA[C>A]TCAGGATTTTGCAGATATCACTGACAGCTTTAAAAACCACAGCTGAGAAGCTGACTCGCA-3'